The following is an entry in ClinVar:

NM_013447.4(ADGRE2):c.1282C>T (p.Leu428Phe)

Gene: ADGRE2 (adhesion G protein-coupled receptor E2; minus strand). Cytogenetic location: 19p13.12.
Variant type: single nucleotide variant.
Coding change: c.1282C>T on transcript NM_013447.4 (MANE Select); coding-DNA position 1282, C replaced by T.
Protein change: p.Leu428Phe; replaces leucine 428 with phenylalanine.
Molecular consequence: missense variant.
Genome position (GRCh38, 1-based): chr19:14,755,788, G>A on the plus strand (C>T on the coding strand, the complement: ADGRE2 is on the minus strand). VCF-style: chr19-14755788-G-A. GRCh37 (hg19) VCF-style: chr19-14866600-G-A.
Other names: c.1282C>T, p.Leu428Phe (NM_001271052.1); c.1135C>T, p.Leu379Phe (NM_152916.2); c.1003C>T, p.Leu335Phe (NM_152917.2); short protein forms L428F, L335F, L379F.
Identifiers: ClinVar variation 2048295 (VCV002048295.6), dbSNP rs143281951, ClinGen allele CA9257755.
Genomic context (GRCh38, chr19:14,755,788, plus strand): 5'-CATCTGAGAGCAGGATGGGGGAGCCGTCCTGCAGCAAGCCCTGGTGTGTCTCATGCAGAA[G>A]CATCTGCTTCTCAGGTTCCAGGACCAGAGGGGCCTCAGCCAGCAACTTGCCCATCCCTGG-3'
Protein context (NP_038475.2, residues 418-438): PLVLEPEKQM[Leu428Phe]LHETHQGLLQ

ClinVar aggregate classification (germline): Conflicting classifications of pathogenicity. Review status: criteria provided, conflicting classifications (1 of 4 stars). 3 submissions from 3 submitters: Uncertain significance (1); Benign (1); Likely benign (1). Last evaluated 2026-08-01.

Allele frequency attached by ClinVar (database versions not stated): gnomAD exomes 0.00109; 1000 Genomes Project 0.00120; ESP Exome Variant Server 0.00069; TOPMed 0.00084; gnomAD 0.00096; ExAC 0.00101; 1000 Genomes Project 30x 0.00109.
gnomAD v4.1: 1,748 of 1,614,180 alleles (0.11%); highest among the groups gnomAD compares: Middle Eastern, 0.13%; 4 homozygotes.

Submissions (3):

CeGaT Center for Human Genetics Tuebingen
Classification: Benign. Last evaluated: 2026-08-01. Review status: criteria provided, single submitter. Criteria: CeGaT Center For Human Genetics Tuebingen Variant Classification Criteria Version 2. Collection method: clinical testing. Allele origin: germline. Affected: yes. Observed: 1 variant allele.
Comment: ADGRE2: BP4, BS1, BS2

Labcorp Genetics (formerly Invitae), Labcorp
Classification: Uncertain significance. Last evaluated: 2026-01-26. Review status: criteria provided, single submitter. Criteria: Invitae Variant Classification Sherloc (09022015). Collection method: clinical testing. Allele origin: germline.
Comment: This sequence change replaces leucine, which is neutral and non-polar, with phenylalanine, which is neutral and non-polar, at codon 428 of the ADGRE2 protein (p.Leu428Phe). This variant is present in population databases (rs143281951, gnomAD 0.2%), and has an allele count higher than expected for a pathogenic variant. This variant has not been reported in the literature in individuals affected with ADGRE2-related conditions. ClinVar contains an entry for this variant (Variation ID: 2048295). An algorithm developed to predict the effect of missense changes on protein structure and function (PolyPhen-2) suggests that this variant is likely to be tolerated. In summary, the available evidence is currently insufficient to determine the role of this variant in disease. Therefore, it has been classified as a Variant of Uncertain Significance.

Blueprint Genetics
Classification: Likely benign. Last evaluated: 2024-11-25. Review status: criteria provided, single submitter. Criteria: ACMG Guidelines, 2015. Collection method: clinical testing. Allele origin: germline.